The following is an entry in ClinVar:

ClinVar aggregate classification (germline): Uncertain significance. Review status: criteria provided, multiple submitters, no conflicts (2 of 4 stars). 2 submissions from 2 submitters: Uncertain significance (2). Last evaluated 2024-01-03.

Conditions:
Inborn genetic diseases. Identifiers: MedGen C0950123, MeSH D030342.

gnomAD v4.1: 1 of 1,612,508 alleles (0.000062%); highest among the groups gnomAD compares: Non-Finnish European, 0.000085%; no homozygotes.

Submissions (2):

Ambry Genetics
Classification: Uncertain significance for Inborn genetic diseases. Last evaluated: 2024-01-03. Review status: criteria provided, single submitter. Criteria: Ambry Variant Classification Scheme 2023. Collection method: clinical testing. Allele origin: germline.

Labcorp Genetics (formerly Invitae), Labcorp
Classification: Uncertain significance. Last evaluated: 2021-09-01. Review status: criteria provided, single submitter. Criteria: Invitae Variant Classification Sherloc (09022015). Collection method: clinical testing. Allele origin: germline.
Comment: This sequence change replaces valine with leucine at codon 343 of the GTPBP3 protein (p.Val343Leu). The valine residue is weakly conserved and there is a small physicochemical difference between valine and leucine. This variant is not present in population databases (ExAC no frequency). This variant has not been reported in the literature in individuals affected with GTPBP3-related conditions. Algorithms developed to predict the effect of missense changes on protein structure and function (SIFT, PolyPhen-2, Align-GVGD) all suggest that this variant is likely to be tolerated. In summary, the available evidence is currently insufficient to determine the role of this variant in disease. Therefore, it has been classified as a Variant of Uncertain Significance.

NM_032620.4(GTPBP3):c.931G>T (p.Val311Leu)

Gene: GTPBP3 (GTP binding protein 3, mitochondrial; plus strand). Cytogenetic location: 19p13.11.
Variant type: single nucleotide variant.
Coding change: c.931G>T on transcript NM_032620.4 (MANE Select); coding-DNA position 931, G replaced by T.
Protein change: p.Val311Leu; replaces valine 311 with leucine.
Molecular consequence: missense variant.
Genome position (GRCh38, 1-based): chr19:17,339,556, G>T. VCF-style: chr19-17339556-G-T. GRCh37 (hg19) VCF-style: chr19-17450365-G-T.
Other names: c.931G>T, p.Val311Leu (NM_001128855.3); c.997G>T, p.Val333Leu (NM_001195422.1); c.1027G>T, p.Val343Leu (NM_133644.4); c.1027G>T (NM_133644.3); short protein forms V343L, V311L, V333L.
Identifiers: ClinVar variation 1406877 (VCV001406877.6), dbSNP rs140393384, ClinGen allele CA404737577.